The following is an entry in ClinVar:

NM_001242882.2(NAXD):c.308C>T (p.Pro103Leu)

Gene: NAXD (NAD(P)HX dehydratase; plus strand). Cytogenetic location: 13q34.
Variant type: single nucleotide variant.
Coding change: c.308C>T on transcript NM_001242882.2 (MANE Select); coding-DNA position 308, C replaced by T.
Protein change: p.Pro103Leu; replaces proline 103 with leucine.
Molecular consequence: missense variant. On other transcripts: non-coding transcript variant (1), intron variant (1).
Genome position (GRCh38, 1-based): chr13:110,625,254, C>T. VCF-style: chr13-110625254-C-T. GRCh37 (hg19) VCF-style: chr13-111277601-C-T.
Other names: c.362C>T, p.Pro121Leu (NM_001242881.2, NM_018210.4); c.57-2185C>T (NM_001242883.2); c.362C>T (NM_018210.3); short protein forms P121L, P103L.
Identifiers: ClinVar variation 1037710 (VCV001037710.11), dbSNP rs369951364, ClinGen allele CA7051132.
Genomic context (GRCh38, chr13:110,625,254, plus strand): 5'-CAGACTTGTCCCACGTGTTCTGTGCCAGTGCGGCCGCACCTGTGATTAAGGCCTACAGCC[C>T]GGAGCTGATCGTCCACCCAGTTCTGTGAGTCGCTCTGCGCCGGCTTCTCGTAGGTTCTCT-3'
Protein context (NP_001229811.1, residues 93-113): AAAPVIKAYS[Pro103Leu]ELIVHPVLDS

ClinVar aggregate classification (germline): Conflicting classifications of pathogenicity. Review status: criteria provided, conflicting classifications (1 of 4 stars). 2 submissions from 2 submitters: Likely pathogenic (1); Uncertain significance (1). Last evaluated 2026-09-07.

Allele frequency attached by ClinVar (database versions not stated): gnomAD 0.00007; ESP Exome Variant Server 0.00008; TOPMed 0.00008.
gnomAD v4.1: 238 of 1,613,188 alleles (0.015%); highest among the groups gnomAD compares: Non-Finnish European, 0.019%; no homozygotes.

Submissions (2):

GeneDx
Classification: Uncertain significance. Last evaluated: 2026-09-07. Review status: criteria provided, single submitter. Criteria: GeneDx Variant Classification Process June 2021. Collection method: clinical testing. Allele origin: germline.
Comment: In silico analysis supports that this missense variant has a deleterious effect on protein structure/function; This variant is associated with the following publications: (PMID: 30576410, 36834994, 38214124, 39789421)

Labcorp Genetics (formerly Invitae), Labcorp
Classification: Likely pathogenic. Last evaluated: 2025-04-21. Review status: criteria provided, single submitter. Criteria: Invitae Variant Classification Sherloc (09022015). Collection method: clinical testing. Allele origin: germline.
Comment: This sequence change replaces proline, which is neutral and non-polar, with leucine, which is neutral and non-polar, at codon 121 of the NAXD protein (p.Pro121Leu). This variant is present in population databases (rs369951364, gnomAD 0.01%). This missense change has been observed in individuals with clinical features of NAXD-related conditions (PMID: 30576410, 38214124; internal data). ClinVar contains an entry for this variant (Variation ID: 1037710). Invitae Evidence Modeling of protein sequence and biophysical properties (such as structural, functional, and spatial information, amino acid conservation, physicochemical variation, residue mobility, and thermodynamic stability) indicates that this missense variant is expected to disrupt NAXD protein function with a positive predictive value of 80%. In summary, the currently available evidence indicates that the variant is pathogenic, but additional data are needed to prove that conclusively. Therefore, this variant has been classified as Likely Pathogenic.

Literature cited by the submitters: PubMed 30576410 (cited by Labcorp Genetics (formerly Invitae), Labcorp); PubMed 38214124 (cited by Labcorp Genetics (formerly Invitae), Labcorp).